The following is an entry in ClinVar:

NM_005159.5(ACTC1):c.839C>G (p.Thr280Ser)

Genes: ACTC1 (actin alpha cardiac muscle 1; minus strand), GJD2-DT (GJD2 divergent transcript; plus strand). Cytogenetic location: 15q14.
Variant type: single nucleotide variant.
Coding change: c.839C>G on transcript NM_005159.5 (MANE Select); coding-DNA position 839, C replaced by G.
Protein change: p.Thr280Ser; replaces threonine 280 with serine.
Molecular consequence: missense variant.
Genome position (GRCh38, 1-based): chr15:34,791,265, G>C on the plus strand (C>G on the coding strand, the complement: ACTC1 is on the minus strand). VCF-style: chr15-34791265-G-C. GRCh37 (hg19) VCF-style: chr15-35083466-G-C.
Other names: c.839C>G (LRG_388t1); short protein forms T280S.
Identifiers: ClinVar variation 630098 (VCV000630098.8), dbSNP rs1566967118, ClinGen allele CA391629604.

ClinVar aggregate classification (germline): Uncertain significance. Review status: criteria provided, multiple submitters, no conflicts (2 of 4 stars). 2 submissions from 2 submitters: Uncertain significance (2). Last evaluated 2023-12-05.

Conditions:
Atrial septal defect 5 (ASD5). Identifiers: Orphanet 1478, MedGen C2748552, MONDO:0013011, OMIM 612794.
Dilated cardiomyopathy 1R (CMD1R). Identifiers: Orphanet 154, Orphanet 54260, MedGen C3150681, MONDO:0013261, OMIM 613424.
Hypertrophic cardiomyopathy 11. Also called: ACTC1-Related Familial Hypertrophic Cardiomyopathy. Identifiers: MedGen C2677506, MONDO:0012799, OMIM 612098.
Cardiomyopathy (CMYO). Also called: Cardiomyopathies. Identifiers: Orphanet 167848, MedGen C0878544, MONDO:0004994, HP:0001638. Inheritance: Various modes of inheritance.

Submissions (2):

Color Diagnostics, LLC DBA Color Health
Classification: Uncertain significance for Cardiomyopathy. Last evaluated: 2023-12-05. Review status: criteria provided, single submitter. Criteria: ACMG Guidelines, 2015. Collection method: clinical testing. Allele origin: germline.
Comment: This missense variant replaces threonine with serine at codon 280 of the ACTC1 protein. Computational prediction tools and conservation analyses suggest that this variant may have deleterious impact on the protein function. Computational splicing tools suggest that this variant may not impact RNA splicing. To our knowledge, functional assays have not been performed for this variant nor has this variant been reported in individuals affected with cardiovascular disorders in the literature. This variant has not been identified in the general population by the Genome Aggregation Database (gnomAD). Available evidence is insufficient to determine the role of this variant in disease conclusively. Therefore, this variant is classified as a Variant of Uncertain Significance.

Juno Genomics, Hangzhou Juno Genomics, Inc
Classification: Uncertain significance for Atrial septal defect 5; Dilated cardiomyopathy 1R; Hypertrophic cardiomyopathy 11. Review status: criteria provided, single submitter. Criteria: ACMG Guidelines, 2015. Collection method: clinical testing. Allele origin: germline.
Comment: Absent from controls (or at extremely low frequency if recessive) in Genome Aggregation Database.;Multiple lines of computational evidence support a deleterious effect on the gene or gene product.